The following is an entry in ClinVar:

NM_005216.5(DDOST):c.119G>A (p.Arg40Gln)

Gene: DDOST (dolichyl-diphosphooligosaccharide--protein glycosyltransferase non-catalytic subunit; minus strand). Cytogenetic location: 1p36.12.
Variant type: single nucleotide variant.
Coding change: c.119G>A on transcript NM_005216.5 (MANE Select); coding-DNA position 119, G replaced by A.
Protein change: p.Arg40Gln; replaces arginine 40 with glutamine.
Molecular consequence: missense variant.
Genome position (GRCh38, 1-based): chr1:20,661,232, C>T on the plus strand (G>A on the coding strand, the complement: DDOST is on the minus strand). VCF-style: chr1-20661232-C-T. GRCh37 (hg19) VCF-style: chr1-20987725-C-T.
Other names: short protein forms R40Q.
Identifiers: ClinVar variation 1522835 (VCV001522835.6), dbSNP rs761548809, ClinGen allele CA661364.

ClinVar aggregate classification (germline): Uncertain significance (1 of 4 stars; one submission).

Conditions:
Congenital disorder of glycosylation type Ir (CDG1R). Also called: DDOST-congenital disorder of glycosylation. Identifiers: Orphanet 300536, MedGen C3281084, MONDO:0013789, OMIM 614507.

Allele frequency attached by ClinVar (database versions not stated): TOPMed below 0.00001; gnomAD 0.00001; ExAC 0.00003; gnomAD exomes 0.00003.
gnomAD v4.1: 30 of 1,613,934 alleles (0.0019%); highest among the groups gnomAD compares: South Asian, 0.02%; 1 homozygote.

Submission:

Labcorp Genetics (formerly Invitae), Labcorp
Classification: Uncertain significance for Congenital disorder of glycosylation type Ir. Last evaluated: 2021-11-05. Review status: criteria provided, single submitter. Criteria: Invitae Variant Classification Sherloc (09022015). Collection method: clinical testing. Allele origin: germline.
Comment: This sequence change replaces arginine, which is basic and polar, with glutamine, which is neutral and polar, at codon 57 of the DDOST protein (p.Arg57Gln). This variant is present in population databases (rs761548809, gnomAD 0.02%). This variant has not been reported in the literature in individuals affected with DDOST-related conditions. Algorithms developed to predict the effect of missense changes on protein structure and function (SIFT, PolyPhen-2, Align-GVGD) all suggest that this variant is likely to be tolerated. Algorithms developed to predict the effect of sequence changes on RNA splicing suggest that this variant may create or strengthen a splice site. In summary, the available evidence is currently insufficient to determine the role of this variant in disease. Therefore, it has been classified as a Variant of Uncertain Significance.